The following is an entry in ClinVar:

ClinVar aggregate classification (germline): Uncertain significance (1 of 4 stars; one submission).

Conditions:
Marfan syndrome (MFS). Also called: MARFAN SYNDROME, TYPE I; Marfan syndrome type 1; Marfan's syndrome; Marfan syndrome, classic; FBN1-Related Marfan Syndrome. Identifiers: Orphanet 284963, Orphanet 558, MedGen C0024796, MONDO:0007947, OMIM 154700.
Familial thoracic aortic aneurysm and aortic dissection (TAAD). Also called: Thoracic aortic aneurysms and dissections. Identifiers: Orphanet 91387, MedGen C4707243, MONDO:0019625.

gnomAD v4.1: 1 of 1,614,150 alleles (0.000062%); highest among the groups gnomAD compares: African/African-American, 0.0013%; no homozygotes.

Submission:

Labcorp Genetics (formerly Invitae), Labcorp
Classification: Uncertain significance for Marfan syndrome; Familial thoracic aortic aneurysm and aortic dissection. Last evaluated: 2024-06-15. Review status: criteria provided, single submitter. Criteria: Invitae Variant Classification Sherloc (09022015). Collection method: clinical testing. Allele origin: germline.
Comment: This sequence change replaces isoleucine, which is neutral and non-polar, with valine, which is neutral and non-polar, at codon 1510 of the FBN1 protein (p.Ile1510Val). This variant is not present in population databases (gnomAD no frequency). This variant has not been reported in the literature in individuals affected with FBN1-related conditions. Advanced modeling of protein sequence and biophysical properties (such as structural, functional, and spatial information, amino acid conservation, physicochemical variation, residue mobility, and thermodynamic stability) performed at Invitae indicates that this missense variant is not expected to disrupt FBN1 protein function with a negative predictive value of 95%. In summary, the available evidence is currently insufficient to determine the role of this variant in disease. Therefore, it has been classified as a Variant of Uncertain Significance.

NM_000138.5(FBN1):c.4528A>G (p.Ile1510Val)

Gene: FBN1 (fibrillin 1; minus strand). Cytogenetic location: 15q21.1.
Variant type: single nucleotide variant.
Coding change: c.4528A>G on transcript NM_000138.5 (MANE Select); coding-DNA position 4528, A replaced by G.
Protein change: p.Ile1510Val; replaces isoleucine 1510 with valine.
Molecular consequence: missense variant.
Genome position (GRCh38, 1-based): chr15:48,468,466, T>C on the plus strand (A>G on the coding strand, the complement: FBN1 is on the minus strand). VCF-style: chr15-48468466-T-C. GRCh37 (hg19) VCF-style: chr15-48760663-T-C.
Other names: c.4528A>G, p.Ile1510Val (NM_001406716.1); short protein forms I1510V.
Identifiers: ClinVar variation 3748365 (VCV003748365.2).